The following is an entry in ClinVar:

ClinVar aggregate classification (germline): Likely benign (1 of 4 stars; one submission).

Conditions:
EVC-related disorder. Also called: EVC-related condition; EVC-related disorders.

gnomAD v4.1: 1 of 1,128,142 alleles (0.000089%); highest among the groups gnomAD compares: South Asian, 0.0043%; no homozygotes.

Submission:

PreventionGenetics, part of Exact Sciences
Classification: Likely benign for EVC-related condition. Last evaluated: 2025-02-03. Review status: criteria provided, single submitter. Criteria: ACMG Guidelines, 2015. Collection method: clinical testing. Allele origin: germline.
Comment: This variant is classified as likely benign based on ACMG/AMP sequence variant interpretation guidelines (Richards et al. 2015 PMID: 25741868, with internal and published modifications).

NM_153717.3(EVC):c.114C>A (p.Leu38=)

Gene: EVC (EvC ciliary complex subunit 1; plus strand). Cytogenetic location: 4p16.2.
Variant type: single nucleotide variant.
Coding change: c.114C>A on transcript NM_153717.3 (MANE Select); coding-DNA position 114, C replaced by A.
Protein change: p.Leu38=; no amino-acid change (leucine 38 retained).
Molecular consequence: synonymous variant.
Genome position (GRCh38, 1-based): chr4:5,711,494, C>A. VCF-style: chr4-5711494-C-A. GRCh37 (hg19) VCF-style: chr4-5713221-C-A.
Other names: c.114C>A, p.Leu38= (NM_001306090.2, NM_001306092.2).
Identifiers: ClinVar variation 4982940 (VCV004982940.1).